The following is an entry in ClinVar:

NM_006017.3(PROM1):c.2549A>G (p.His850Arg)

Gene: PROM1 (prominin 1; minus strand). Cytogenetic location: 4p15.32.
Variant type: single nucleotide variant.
Coding change: c.2549A>G on transcript NM_006017.3 (MANE Select); coding-DNA position 2549, A replaced by G.
Protein change: p.His850Arg; replaces histidine 850 with arginine.
Molecular consequence: missense variant. On other transcripts: intron variant (6).
Genome position (GRCh38, 1-based): chr4:15,979,428, T>C on the plus strand (A>G on the coding strand, the complement: PROM1 is on the minus strand). VCF-style: chr4-15979428-T-C. GRCh37 (hg19) VCF-style: chr4-15981051-T-C.
Other names: c.2522A>G, p.His841Arg (NM_001371406.1, NM_001145847.2, NM_001145848.2); c.2462+994A>G (NM_001145852.2, NM_001371408.1, NM_001371407.1); c.2489+994A>G (NM_001145850.2); c.2486+453A>G (NM_001145851.2); c.2513+453A>G (NM_001145849.2); c.2549A>G (NM_006017.2); short protein forms H841R, H850R.
Identifiers: ClinVar variation 2182846 (VCV002182846.5), dbSNP rs1560386259, ClinGen allele CA356425690.
Genomic context (GRCh38, chr4:15,979,428, plus strand): 5'-GGCATGCACTTCCAGACTTTGCTTTACCTTGTCATAACAGGATTGTGAATACCATATACA[T>C]GATCTTTATGATAACCATTATTACCATTTTCCATACTGTAACAGAAATAAATACACCAAA-3'
Protein context (NP_006008.1, residues 840-860): ENGNNGYHKD[His850Arg]VYGIHNPVMT

ClinVar aggregate classification (germline): Uncertain significance. Review status: criteria provided, multiple submitters, no conflicts (2 of 4 stars). 2 submissions from 2 submitters: Uncertain significance (2). Last evaluated 2025-11-07.

Conditions:
Inborn genetic diseases. Identifiers: MedGen C0950123, MeSH D030342.

Allele frequency attached by ClinVar (database versions not stated): gnomAD exomes 0.00001.

Submissions (2):

Ambry Genetics
Classification: Uncertain significance for Inborn genetic diseases. Last evaluated: 2025-11-07. Review status: criteria provided, single submitter. Criteria: Ambry Variant Classification Scheme 2023. Collection method: clinical testing. Allele origin: germline.

Labcorp Genetics (formerly Invitae), Labcorp
Classification: Uncertain significance. Last evaluated: 2022-05-25. Review status: criteria provided, single submitter. Criteria: Invitae Variant Classification Sherloc (09022015). Collection method: clinical testing. Allele origin: germline.
Comment: Algorithms developed to predict the effect of sequence changes on RNA splicing suggest that this variant may create or strengthen a splice site. In summary, the available evidence is currently insufficient to determine the role of this variant in disease. Therefore, it has been classified as a Variant of Uncertain Significance. Algorithms developed to predict the effect of missense changes on protein structure and function (SIFT, PolyPhen-2, Align-GVGD) all suggest that this variant is likely to be tolerated. This variant has not been reported in the literature in individuals affected with PROM1-related conditions. This variant is not present in population databases (gnomAD no frequency). This sequence change replaces histidine, which is basic and polar, with arginine, which is basic and polar, at codon 850 of the PROM1 protein (p.His850Arg).